The following is an entry in ClinVar:

NM_001375524.1(TRRAP):c.5536C>A (p.Leu1846Met)

Gene: TRRAP (transformation/transcription domain associated protein; plus strand). Cytogenetic location: 7q22.1.
Variant type: single nucleotide variant.
Coding change: c.5536C>A on transcript NM_001375524.1 (MANE Select); coding-DNA position 5536, C replaced by A.
Protein change: p.Leu1846Met; replaces leucine 1846 with methionine.
Molecular consequence: missense variant.
Genome position (GRCh38, 1-based): chr7:98,953,239, C>A. VCF-style: chr7-98953239-C-A. GRCh37 (hg19) VCF-style: chr7-98550862-C-A.
Other names: c.5515C>A, p.Leu1839Met (NM_001244580.2); c.5461C>A, p.Leu1821Met (NM_003496.4); short protein forms L1821M, L1839M, L1846M.
Identifiers: ClinVar variation 3373750 (VCV003373750.1).

ClinVar aggregate classification (germline): Uncertain significance (1 of 4 stars; one submission).

Submission:

GeneDx
Classification: Uncertain significance. Last evaluated: 2024-03-05. Review status: criteria provided, single submitter. Criteria: GeneDx Variant Classification Process June 2021. Collection method: clinical testing. Allele origin: germline. Affected: yes.
Comment: Not observed at significant frequency in large population cohorts (gnomAD); In silico analysis supports that this missense variant does not alter protein structure/function; Has not been previously published as pathogenic or benign to our knowledge